The following is an entry in ClinVar:

NM_031433.4(MFRP):c.472C>T (p.Pro158Ser)

Genes: C1QTNF5 (C1q and TNF related 5; minus strand), MFRP (membrane frizzled-related protein; minus strand). Cytogenetic location: 11q23.3.
Variant type: single nucleotide variant.
Coding change: c.472C>T on transcript NM_031433.4 (MANE Select); coding-DNA position 472, C replaced by T.
Protein change: p.Pro158Ser; replaces proline 158 with serine.
Molecular consequence: missense variant. On other transcripts: 5 prime UTR variant (1).
Genome position (GRCh38, 1-based): chr11:119,345,589, G>A on the plus strand (C>T on the coding strand, the complement: MFRP is on the minus strand). VCF-style: chr11-119345589-G-A. GRCh37 (hg19) VCF-style: chr11-119216299-G-A.
Other names: c.-2165C>T (NM_015645.5); short protein forms P158S.
Identifiers: ClinVar variation 1022743 (VCV001022743.8), dbSNP rs758420491, ClinGen allele CA6320538.

ClinVar aggregate classification (germline): Uncertain significance. Review status: criteria provided, multiple submitters, no conflicts (2 of 4 stars). 2 submissions from 2 submitters: Uncertain significance (2). Last evaluated 2022-08-09.

Conditions:
Isolated microphthalmia 5. Also called: Posterior Microphthalmia with Retinitis Pigmentosa, Foveoschisis, and Optic Disc Drusen. Identifiers: Orphanet 251279, MedGen C1970236, MONDO:0012605, OMIM 611040.

Allele frequency attached by ClinVar (database versions not stated): gnomAD 0.00007 and 0.00009; ExAC 0.00001; TOPMed 0.00023; gnomAD exomes 0.00001.
gnomAD v4.1: 21 of 1,613,762 alleles (0.0013%); highest among the groups gnomAD compares: Admixed American, 0.025%; no homozygotes.

Submissions (2):

Labcorp Genetics (formerly Invitae), Labcorp
Classification: Uncertain significance for Isolated microphthalmia 5. Last evaluated: 2022-08-09. Review status: criteria provided, single submitter. Criteria: Invitae Variant Classification Sherloc (09022015). Collection method: clinical testing. Allele origin: germline.
Comment: This sequence change replaces proline, which is neutral and non-polar, with serine, which is neutral and polar, at codon 158 of the MFRP protein (p.Pro158Ser). This variant is present in population databases (rs758420491, gnomAD 0.003%). This variant has not been reported in the literature in individuals affected with MFRP-related conditions. ClinVar contains an entry for this variant (Variation ID: 1022743). Algorithms developed to predict the effect of missense changes on protein structure and function are either unavailable or do not agree on the potential impact of this missense change (SIFT: "Deleterious"; PolyPhen-2: "Probably Damaging"; Align-GVGD: "Class C0"). In summary, the available evidence is currently insufficient to determine the role of this variant in disease. Therefore, it has been classified as a Variant of Uncertain Significance.

Blueprint Genetics
Classification: Uncertain significance. Last evaluated: 2021-03-23. Review status: criteria provided, single submitter. Criteria: ACMG Guidelines, 2015. Collection method: clinical testing. Allele origin: germline.